The following is an entry in ClinVar:

ClinVar aggregate classification (germline): Likely benign (1 of 4 stars; one submission).

gnomAD v4.1: 262 of 1,611,128 alleles (0.016%); highest among the groups gnomAD compares: South Asian, 0.23%; 3 homozygotes.

Submission:

CeGaT Center for Human Genetics Tuebingen
Classification: Likely benign. Last evaluated: 2025-11-01. Review status: criteria provided, single submitter. Criteria: CeGaT Center For Human Genetics Tuebingen Variant Classification Criteria Version 2. Collection method: clinical testing. Allele origin: germline. Affected: yes. Observed: 1 variant allele.
Comment: SEC31A: BP4, BP7

NM_001077207.4(SEC31A):c.117G>A (p.Thr39=)

Gene: SEC31A (SEC31 homolog A, COPII component; minus strand). Cytogenetic location: 4q21.22.
Variant type: single nucleotide variant.
Coding change: c.117G>A on transcript NM_001077207.4 (MANE Select); coding-DNA position 117, G replaced by A.
Protein change: p.Thr39=; no amino-acid change (threonine 39 retained).
Molecular consequence: synonymous variant. On other transcripts: 5 prime UTR variant (1), intron variant (1).
Genome position (GRCh38, 1-based): chr4:82,880,885, C>T on the plus strand (G>A on the coding strand, the complement: SEC31A is on the minus strand). VCF-style: chr4-82880885-C-T. GRCh37 (hg19) VCF-style: chr4-83802038-C-T.
Other names: c.117G>A, p.Thr39= (NM_001400162.1, NM_001400164.1, NM_001400165.1 and 48 more transcripts); c.102G>A, p.Thr34= (NM_001400212.1, NM_001400214.1, NM_001191049.2); c.-230G>A (NM_001400224.1); c.41+973G>A (NM_001400215.1).
Identifiers: ClinVar variation 4681629 (VCV004681629.5).